The following is an entry in ClinVar:

ClinVar aggregate classification (germline): Uncertain significance. Review status: criteria provided, multiple submitters, no conflicts (2 of 4 stars). 3 submissions from 3 submitters: Uncertain significance (3). Last evaluated 2025-12-10.

Conditions:
Inborn genetic diseases. Identifiers: MedGen C0950123, MeSH D030342.

Allele frequency attached by ClinVar (database versions not stated): ExAC 0.00001; gnomAD 0.00001; gnomAD exomes 0.00003.
gnomAD v4.1: 39 of 1,609,680 alleles (0.0024%); highest among the groups gnomAD compares: East Asian, 0.0045%; no homozygotes.

Submissions (3):

Labcorp Genetics (formerly Invitae), Labcorp
Classification: Uncertain significance. Last evaluated: 2025-12-10. Review status: criteria provided, single submitter. Criteria: Invitae Variant Classification Sherloc (09022015). Collection method: clinical testing. Allele origin: germline.
Comment: This sequence change replaces glycine, which is neutral and non-polar, with alanine, which is neutral and non-polar, at codon 138 of the ACAN protein (p.Gly138Ala). This variant is present in population databases (rs760138666, gnomAD 0.005%). This variant has not been reported in the literature in individuals affected with ACAN-related conditions. ClinVar contains an entry for this variant (Variation ID: 2573468). Invitae Evidence Modeling of protein sequence and biophysical properties (such as structural, functional, and spatial information, amino acid conservation, physicochemical variation, residue mobility, and thermodynamic stability) indicates that this missense variant is not expected to disrupt ACAN protein function with a negative predictive value of 80%. In summary, the available evidence is currently insufficient to determine the role of this variant in disease. Therefore, it has been classified as a Variant of Uncertain Significance.

Ambry Genetics
Classification: Uncertain significance for Inborn genetic diseases. Last evaluated: 2025-08-05. Review status: criteria provided, single submitter. Criteria: Ambry Variant Classification Scheme 2023. Collection method: clinical testing. Allele origin: germline.

Women's Health and Genetics/Laboratory Corporation of America, LabCorp
Classification: Uncertain significance. Last evaluated: 2023-06-26. Review status: criteria provided, single submitter. Criteria: LabCorp Variant Classification Summary - May 2015. Collection method: clinical testing. Allele origin: germline.
Comment: Variant summary: ACAN c.413G>C (p.Gly138Ala) results in a non-conservative amino acid change in the encoded protein sequence. Five of five in-silico tools predict a damaging effect of the variant on protein function. The variant allele was found at a frequency of 1.2e-05 in 244494 control chromosomes. The available data on variant occurrences in the general population are insufficient to allow any conclusion about variant significance. To our knowledge, no occurrence of c.413G>C in individuals affected with ACAN-Related Disorders and no experimental evidence demonstrating its impact on protein function have been reported. No submitters have cited clinical-significance assessments for this variant to ClinVar after 2014. Based on the evidence outlined above, the variant was classified as uncertain significance.

NM_001369268.1(ACAN):c.413G>C (p.Gly138Ala)

Gene: ACAN (aggrecan; plus strand). Cytogenetic location: 15q26.1.
Variant type: single nucleotide variant.
Coding change: c.413G>C on transcript NM_001369268.1 (MANE Select); coding-DNA position 413, G replaced by C.
Protein change: p.Gly138Ala; replaces glycine 138 with alanine.
Molecular consequence: missense variant.
Genome position (GRCh38, 1-based): chr15:88,839,005, G>C. VCF-style: chr15-88839005-G-C. GRCh37 (hg19) VCF-style: chr15-89382236-G-C.
Other names: c.413G>C (NM_013227.3); c.413G>C, p.Gly138Ala (NM_001135.4, NM_001411096.1, NM_001411097.1 and 1 more transcripts); short protein forms G138A.
Identifiers: ClinVar variation 2573468 (VCV002573468.3), dbSNP rs760138666, ClinGen allele CA7719213.